The following is an entry in ClinVar:

NM_033305.3(VPS13A):c.8192del (p.Glu2731fs)

Gene: VPS13A (vacuolar protein sorting 13 homolog A; plus strand). Cytogenetic location: 9q21.2.
Variant type: Deletion.
Coding change: c.8192del on transcript NM_033305.3 (MANE Select); coding-DNA position 8192, one base deleted (A; older notation c.8192delA).
Protein change: p.Glu2731fs; shifts the reading frame from glutamic acid 2731.
Molecular consequence: frameshift variant.
Genome position (GRCh38, 1-based): chr9:77,360,622, A deleted. VCF-style (leftmost placement, unchanged base first): chr9-77360621-GA-G. GRCh37 (hg19) VCF-style: chr9-79975537-GA-G.
Other names: c.8075del, p.Glu2692fs (NM_001018037.2); c.8192del, p.Glu2731fs (NM_001018038.3, NM_015186.4); short protein forms E2692fs, E2731fs.
Identifiers: ClinVar variation 1710837 (VCV001710837.2), dbSNP rs2538162178, ClinGen allele CA2580080667.
Genomic context (GRCh38, chr9:77,360,621, plus strand): 5'-ATGGATCTCAGGTTAGATCTTGGGTTTATCTATGCTTTAACAGACCTTATGACAGAAGCT[GA>G]GGTGACTGAAAATACAGAGGTAAGACTTAAAATAATAACATTTGATGGAAAGGATTAGGG-3'

ClinVar aggregate classification (germline): Pathogenic (1 of 4 stars; one submission).

Submission:

GeneDx
Classification: Pathogenic. Last evaluated: 2022-10-18. Review status: criteria provided, single submitter. Criteria: GeneDx Variant Classification Process June 2021. Collection method: clinical testing. Allele origin: germline. Affected: yes.
Comment: Frameshift variant predicted to result in protein truncation in a gene for which loss-of-function is a known mechanism of disease; Not observed at significant frequency in large population cohorts (gnomAD); Has not been previously published as pathogenic or benign to our knowledge